The following is an entry in ClinVar:

ClinVar aggregate classification (germline): Uncertain significance (1 of 4 stars; one submission).

Conditions:
Werner syndrome (WRN). Identifiers: Orphanet 902, MedGen C0043119, MONDO:0010196, OMIM 277700.

Submission:

Labcorp Genetics (formerly Invitae), Labcorp
Classification: Uncertain significance for Werner syndrome. Last evaluated: 2020-03-17. Review status: criteria provided, single submitter. Criteria: Invitae Variant Classification Sherloc (09022015). Collection method: clinical testing. Allele origin: germline.
Comment: This variant has not been reported in the literature in individuals with WRN-related conditions. This variant is not present in population databases (ExAC no frequency). This sequence change replaces tryptophan with glycine at codon 145 of the WRN protein (p.Trp145Gly). The tryptophan residue is moderately conserved and there is a large physicochemical difference between tryptophan and glycine. Algorithms developed to predict the effect of missense changes on protein structure and function are either unavailable or do not agree on the potential impact of this missense change (SIFT: "Not Available"; PolyPhen-2: "Probably Damaging"; Align-GVGD: "Not Available"). In summary, the available evidence is currently insufficient to determine the role of this variant in disease. Therefore, it has been classified as a Variant of Uncertain Significance.

NM_000553.6(WRN):c.433T>G (p.Trp145Gly)

Gene: WRN (WRN RecQ like helicase; plus strand). Cytogenetic location: 8p12.
Variant type: single nucleotide variant.
Coding change: c.433T>G on transcript NM_000553.6 (MANE Select); coding-DNA position 433, T replaced by G.
Protein change: p.Trp145Gly; replaces tryptophan 145 with glycine.
Molecular consequence: missense variant.
Genome position (GRCh38, 1-based): chr8:31,064,992, T>G. VCF-style: chr8-31064992-T-G. GRCh37 (hg19) VCF-style: chr8-30922508-T-G.
Other names: short protein forms W145G.
Identifiers: ClinVar variation 1015135 (VCV001015135.3), dbSNP rs1812638278, ClinGen allele CA370914827.